The following is an entry in ClinVar:

ClinVar aggregate classification (germline): Uncertain significance (1 of 4 stars; one submission).

Conditions:
Hereditary cancer-predisposing syndrome. Also called: Hereditary Cancer Syndrome; Hereditary neoplastic syndrome; Neoplastic Syndromes, Hereditary; Tumor predisposition. Identifiers: Orphanet 140162, MedGen C0027672, MeSH D009386, MONDO:0015356.

Submission:

Ambry Genetics
Classification: Uncertain significance for Hereditary cancer-predisposing syndrome. Last evaluated: 2021-12-10. Review status: criteria provided, single submitter. Criteria: Ambry Variant Classification Scheme 2023. Collection method: clinical testing. Allele origin: germline.
Comment: The p.D458Y variant (also known as c.1372G>T), located in coding exon 5 of the BARD1 gene, results from a G to T substitution at nucleotide position 1372. The aspartic acid at codon 458 is replaced by tyrosine, an amino acid with highly dissimilar properties. This amino acid position is conserved. In addition, this alteration is predicted to be deleterious by in silico analysis. Since supporting evidence is limited at this time, the clinical significance of this alteration remains unclear.

NM_000465.4(BARD1):c.1372G>T (p.Asp458Tyr)

Gene: BARD1 (BRCA1 associated RING domain 1; minus strand). Cytogenetic location: 2q35.
Variant type: single nucleotide variant.
Coding change: c.1372G>T on transcript NM_000465.4 (MANE Select); coding-DNA position 1372, G replaced by T.
Protein change: p.Asp458Tyr; replaces aspartic acid 458 with tyrosine.
Molecular consequence: missense variant. On other transcripts: non-coding transcript variant (3), intron variant (3).
Genome position (GRCh38, 1-based): chr2:214,769,255, C>A on the plus strand (G>T on the coding strand, the complement: BARD1 is on the minus strand). VCF-style: chr2-214769255-C-A. GRCh37 (hg19) VCF-style: chr2-215633979-C-A.
Other names: c.1315G>T, p.Asp439Tyr (NM_001282543.2); c.159-16700G>T (NM_001282548.2); c.216-16700G>T (NM_001282545.2); c.364+23042G>T (NM_001282549.2); short protein forms D439Y, D458Y.
Identifiers: ClinVar variation 1771082 (VCV001771082.2), dbSNP rs137988817, ClinGen allele CA350450210.
Genomic context (GRCh38, chr2:214,769,255, plus strand): 5'-AACACAGAAAGAATGAGAATAAAAACCAGACAACTACCAATGGTGTCCATCCAGCATGGT[C>A]TTTAACATTTGGATCACTTCCATTTTGTAAAAGGTATTCAACAGAAGGTATGTCGCCCTA-3'
Protein context (NP_000456.2, residues 448-468): LQNGSDPNVK[Asp458Tyr]HAGWTPLHEA